The following is an entry in ClinVar:

ClinVar aggregate classification (germline): Uncertain significance (1 of 4 stars; one submission).

Allele frequency attached by ClinVar (database versions not stated): ExAC 0.00001.
gnomAD v4.1: 10 of 1,589,402 alleles (0.00063%); highest among the groups gnomAD compares: South Asian, 0.0011%; no homozygotes.

Submission:

Labcorp Genetics (formerly Invitae), Labcorp
Classification: Uncertain significance. Last evaluated: 2022-05-13. Review status: criteria provided, single submitter. Criteria: Invitae Variant Classification Sherloc (09022015). Collection method: clinical testing. Allele origin: germline.
Comment: In summary, the available evidence is currently insufficient to determine the role of this variant in disease. Therefore, it has been classified as a Variant of Uncertain Significance. Algorithms developed to predict the effect of sequence changes on RNA splicing suggest that this variant may disrupt the consensus splice site. This variant has not been reported in the literature in individuals affected with CASQ1-related conditions. This variant is present in population databases (rs763795456, gnomAD 0.003%). This sequence change affects a donor splice site in intron 4 of the CASQ1 gene. It is expected to disrupt RNA splicing. Variants that disrupt the donor or acceptor splice site typically lead to a loss of protein function (PMID: 16199547), however the current clinical and genetic evidence is not sufficient to establish whether loss-of-function variants in CASQ1 cause disease.

Literature cited by the submitters: PubMed 16199547.

NM_001231.5(CASQ1):c.577+1G>T

Gene: CASQ1 (calsequestrin 1; plus strand). Cytogenetic location: 1q23.2.
Variant type: single nucleotide variant.
Coding change: c.577+1G>T on transcript NM_001231.5 (MANE Select); the canonical splice donor site of the intron after coding-DNA position 577, G replaced by T.
Molecular consequence: splice donor variant.
Genome position (GRCh38, 1-based): chr1:160,195,124, G>T. VCF-style: chr1-160195124-G-T. GRCh37 (hg19) VCF-style: chr1-160164914-G-T.
Identifiers: ClinVar variation 1986843 (VCV001986843.4), dbSNP rs763795456, ClinGen allele CA1196236.
Genomic context (GRCh38, chr1:160,195,124, plus strand): 5'-TTGAGAATATTGAGGATGAGATCAAACTCATTGGCTACTTCAAGAGCAAAGACTCAGAGC[G>T]TGGGTAACCCTCAGACTCCACTGTGCCCCTCTCTGGATCCCCATCTCACCTGTCCTCCCA-3'